The following is an entry in ClinVar:

NM_003073.5(SMARCB1):c.987-1G>A

Gene: SMARCB1 (SWI/SNF related BAF chromatin remodeling complex subunit B1; plus strand). Cytogenetic location: 22q11.23.
Variant type: single nucleotide variant.
Coding change: c.987-1G>A on transcript NM_003073.5 (MANE Select); the canonical splice acceptor site of the intron before coding-DNA position 987, G replaced by A.
Molecular consequence: splice acceptor variant.
Genome position (GRCh38, 1-based): chr22:23,833,571, G>A. VCF-style: chr22-23833571-G-A. GRCh37 (hg19) VCF-style: chr22-24175758-G-A.
Other names: c.1041-1G>A (NM_001362877.2); c.1014-1G>A (NM_001317946.2); c.960-1G>A (NM_001007468.3).
Identifiers: ClinVar variation 942818 (VCV000942818.8), dbSNP rs2030785010, ClinGen allele CA410912819.

ClinVar aggregate classification (germline): Likely pathogenic (1 of 4 stars; one submission).

Submission:

Labcorp Genetics (formerly Invitae), Labcorp
Classification: Likely pathogenic. Last evaluated: 2020-08-25. Review status: criteria provided, single submitter. Criteria: Invitae Variant Classification Sherloc (09022015). Collection method: clinical testing. Allele origin: germline.
Comment: This sequence change affects an acceptor splice site in intron 7 of the SMARCB1 gene. It is expected to disrupt RNA splicing and likely results in an absent or disrupted protein product. This variant is not present in population databases (ExAC no frequency). This variant has not been reported in the literature in individuals with SMARCB1-related conditions. Donor and acceptor splice site variants typically lead to a loss of protein function (PMID: 16199547), and loss-of-function variants in SMARCB1 are known to be pathogenic (PMID: 10521299, 21208904). In summary, the currently available evidence indicates that the variant is pathogenic, but additional data are needed to prove that conclusively. Therefore, this variant has been classified as Likely Pathogenic.

Literature cited by the submitters: PubMed 16199547; PubMed 10521299; PubMed 21208904.